The following is an entry in ClinVar:

ClinVar aggregate classification (germline): Benign (1 of 4 stars; one submission).

Conditions:
Platelet-type bleeding disorder 9 (BDPLT9). Also called: GLYCOPROTEIN Ia DEFICIENCY; GP Ia DEFICIENCY; COLLAGEN PLATELET RECEPTOR DEFICIENCY. Identifiers: Orphanet 73271, Orphanet 98886, MedGen C3280114, MONDO:0013622, OMIM 614200.

Allele frequency attached by ClinVar (database versions not stated): gnomAD 0.00011 and 0.00040; TOPMed 0.00014; 1000 Genomes Project 0.00140.
gnomAD v4.1: 59 of 152,290 alleles (0.039%); highest among the groups gnomAD compares: South Asian, 0.83%; no homozygotes.

Submission:

Illumina Laboratory Services, Illumina
Classification: Benign for Platelet-type bleeding disorder 9. Last evaluated: 2018-01-13. Review status: criteria provided, single submitter. Criteria: ICSL Variant Classification Criteria 13 December 2019. Collection method: clinical testing. Allele origin: germline.
Comment: This variant was observed in the ICSL laboratory as part of a predisposition screen in an ostensibly healthy population. It had not been previously curated by ICSL or reported in the Human Gene Mutation Database (HGMD: prior to June 1st, 2018), and was therefore a candidate for classification through an automated scoring system. Utilizing variant allele frequency, disease prevalence and penetrance estimates, and inheritance mode, an automated score was calculated to assess if this variant is too frequent to cause the disease. Based on the score and internal cut-off values, a variant classified as benign is not then subjected to further curation. The score for this variant resulted in a classification of benign for this disease.

NM_002203.4(ITGA2):c.*3889A>G

Gene: ITGA2 (integrin subunit alpha 2; plus strand). Cytogenetic location: 5q11.2.
Variant type: single nucleotide variant.
Coding change: c.*3889A>G on transcript NM_002203.4 (MANE Select); 3889 bases downstream of the stop codon, A replaced by G.
Molecular consequence: 3 prime UTR variant. On other transcripts: non-coding transcript variant (5).
Genome position (GRCh38, 1-based): chr5:53,094,488, A>G. VCF-style: chr5-53094488-A-G. GRCh37 (hg19) VCF-style: chr5-52390318-A-G.
Identifiers: ClinVar variation 353859 (VCV000353859.5), dbSNP rs530007169, ClinGen allele CA10624718.